The following is an entry in ClinVar:

NM_001329943.3(KIAA0586):c.2831A>G (p.Glu944Gly)

Gene: KIAA0586 (KIAA0586; plus strand). Cytogenetic location: 14q23.1.
Variant type: single nucleotide variant.
Coding change: c.2831A>G on transcript NM_001329943.3 (MANE Select); coding-DNA position 2831, A replaced by G.
Protein change: p.Glu944Gly; replaces glutamic acid 944 with glycine.
Molecular consequence: missense variant.
Genome position (GRCh38, 1-based): chr14:58,477,128, A>G. VCF-style: chr14-58477128-A-G. GRCh37 (hg19) VCF-style: chr14-58943846-A-G.
Other names: c.2990A>G, p.Glu997Gly (NM_001244189.2); c.2786A>G, p.Glu929Gly (NM_001244190.2); c.2576A>G, p.Glu859Gly (NM_001244191.2, NM_001329945.2, NM_001364700.1 and 1 more transcripts); c.2699A>G, p.Glu900Gly (NM_001244192.2); c.2411A>G, p.Glu804Gly (NM_001244193.2); c.2831A>G, p.Glu944Gly (NM_001329944.2, NM_001329946.2, NM_001329947.2); c.2603A>G, p.Glu868Gly (NM_014749.5); short protein forms E804G, E859G, E868G, E900G, E929G, E944G, E997G.
Identifiers: ClinVar variation 3752623 (VCV003752623.2).

ClinVar aggregate classification (germline): Uncertain significance (1 of 4 stars; one submission).

Conditions:
Short-rib thoracic dysplasia 14 with polydactyly (SRTD14). Identifiers: Orphanet 397715, MedGen C4225286, MONDO:0014688, OMIM 616546.
Joubert syndrome 23 (JBTS23). Identifiers: Orphanet 475, MedGen C4084822, MONDO:0014664, OMIM 616490.

gnomAD v4.1: 10 of 1,533,708 alleles (0.00065%); highest among the groups gnomAD compares: Non-Finnish European, 0.00089%; no homozygotes.

Submission:

Labcorp Genetics (formerly Invitae), Labcorp
Classification: Uncertain significance for Joubert syndrome 23; Short-rib thoracic dysplasia 14 with polydactyly. Last evaluated: 2024-10-17. Review status: criteria provided, single submitter. Criteria: Invitae Variant Classification Sherloc (09022015). Collection method: clinical testing. Allele origin: germline.
Comment: This sequence change replaces glutamic acid, which is acidic and polar, with glycine, which is neutral and non-polar, at codon 997 of the KIAA0586 protein (p.Glu997Gly). The frequency data for this variant in the population databases is considered unreliable, as metrics indicate poor data quality at this position in the gnomAD database. This variant has not been reported in the literature in individuals affected with KIAA0586-related conditions. Invitae Evidence Modeling of protein sequence and biophysical properties (such as structural, functional, and spatial information, amino acid conservation, physicochemical variation, residue mobility, and thermodynamic stability) indicates that this missense variant is expected to disrupt KIAA0586 protein function with a positive predictive value of 80%. Algorithms developed to predict the effect of sequence changes on RNA splicing suggest that this variant may disrupt the consensus splice site. In summary, the available evidence is currently insufficient to determine the role of this variant in disease. Therefore, it has been classified as a Variant of Uncertain Significance.